The following is an entry in ClinVar:

ClinVar aggregate classification (germline): Uncertain significance (1 of 4 stars; one submission).

Allele frequency attached by ClinVar (database versions not stated): gnomAD exomes below 0.00001 and 0.00002; ExAC 0.00003; TOPMed 0.00006; gnomAD 0.00007 and 0.00008.
gnomAD v4.1: 16 of 1,540,080 alleles (0.001%); highest among the groups gnomAD compares: African/African-American, 0.021%; no homozygotes.

Submission:

Labcorp Genetics (formerly Invitae), Labcorp
Classification: Uncertain significance. Last evaluated: 2022-01-14. Review status: criteria provided, single submitter. Criteria: Invitae Variant Classification Sherloc (09022015). Collection method: clinical testing. Allele origin: germline.
Comment: In summary, the available evidence is currently insufficient to determine the role of this variant in disease. Therefore, it has been classified as a Variant of Uncertain Significance. Algorithms developed to predict the effect of sequence changes on RNA splicing suggest that this variant may disrupt the consensus splice site. This variant has not been reported in the literature in individuals affected with TRIOBP-related conditions. The frequency data for this variant in the population databases is considered unreliable, as metrics indicate poor data quality at this position in the gnomAD database. This sequence change affects codon 2157 of the TRIOBP mRNA. It is a 'silent' change, meaning that it does not change the encoded amino acid sequence of the TRIOBP protein. It affects a nucleotide within the consensus splice site.

NM_001039141.3(TRIOBP):c.6471A>G (p.Ser2157=)

Gene: TRIOBP (TRIO and F-actin binding protein; plus strand). Cytogenetic location: 22q13.1.
Variant type: single nucleotide variant.
Coding change: c.6471A>G on transcript NM_001039141.3 (MANE Select); coding-DNA position 6471, A replaced by G.
Protein change: p.Ser2157=; no amino-acid change (serine 2157 retained).
Molecular consequence: synonymous variant.
Genome position (GRCh38, 1-based): chr22:37,765,816, A>G. VCF-style: chr22-37765816-A-G. GRCh37 (hg19) VCF-style: chr22-38161823-A-G.
Other names: c.1332A>G, p.Ser444= (NM_007032.5).
Identifiers: ClinVar variation 1498896 (VCV001498896.8), dbSNP rs781562394, ClinGen allele CA10225025.